The following is an entry in ClinVar:

ClinVar aggregate classification (germline): Benign/Likely benign. Review status: criteria provided, multiple submitters, no conflicts (2 of 4 stars). 5 submissions from 5 submitters: Benign (3); Likely benign (2). Last evaluated 2026-01-27.

Conditions:
Inborn genetic diseases. Identifiers: MedGen C0950123, MeSH D030342.

Allele frequency attached by ClinVar (database versions not stated): gnomAD exomes 0.00063 and 0.00160; ExAC 0.00191; ESP Exome Variant Server 0.00531; gnomAD 0.00624 and 0.00672; 1000 Genomes Project 0.00679; TOPMed 0.00694; 1000 Genomes Project 30x 0.00828.
gnomAD v4.1: 1,902 of 1,614,168 alleles (0.12%); highest among the groups gnomAD compares: African/African-American, 2.3%; 14 homozygotes.

Submissions (5):

Labcorp Genetics (formerly Invitae), Labcorp
Classification: Benign. Last evaluated: 2026-01-27. Review status: criteria provided, single submitter. Criteria: Invitae Variant Classification Sherloc (09022015). Collection method: clinical testing. Allele origin: germline.

Mayo Clinic Laboratories, Mayo Clinic
Classification: Benign. Last evaluated: 2025-03-28. Review status: criteria provided, single submitter. Criteria: ACMG Guidelines, 2015. Collection method: clinical testing. Allele origin: germline. Observed: 3 variant alleles.
Comment: BS1, BS2, BP4, BP7

Blueprint Genetics
Classification: Likely benign. Last evaluated: 2024-10-18. Review status: criteria provided, single submitter. Criteria: ACMG Guidelines, 2015. Collection method: clinical testing. Allele origin: germline.

Ambry Genetics
Classification: Likely benign for Inborn genetic diseases. Last evaluated: 2022-04-19. Review status: criteria provided, single submitter. Criteria: Ambry Variant Classification Scheme 2023. Collection method: clinical testing. Allele origin: germline.

Breakthrough Genomics
Classification: Benign. Review status: criteria provided, single submitter. Criteria: ACMG Guidelines, 2015. Collection method: not provided. Allele origin: germline. Inheritance: Autosomal dominant inheritance. Affected: yes.

NM_001231.5(CASQ1):c.237G>A (p.Lys79=)

Gene: CASQ1 (calsequestrin 1; plus strand). Cytogenetic location: 1q23.2.
Variant type: single nucleotide variant.
Coding change: c.237G>A on transcript NM_001231.5 (MANE Select); coding-DNA position 237, G replaced by A.
Protein change: p.Lys79=; no amino-acid change (lysine 79 retained).
Molecular consequence: synonymous variant.
Genome position (GRCh38, 1-based): chr1:160,190,988, G>A. VCF-style: chr1-160190988-G-A. GRCh37 (hg19) VCF-style: chr1-160160778-G-A.
Other names: p.Lys79=.
Identifiers: ClinVar variation 728846 (VCV000728846.14), dbSNP rs74123282, ClinGen allele CA1196103.
Genomic context (GRCh38, chr1:160,190,988, plus strand): 5'-TGTGTTCAAGAAGTATGAGGTGCTGGCACTCCTCTACCATGAACCCCCCGAGGATGACAA[G>A]GCCTCACAAAGACAATTTGAGATGGAGGAGCTGATCCTGGAGGTGAGTTGGGGGCACTGC-3'
Protein context (NP_001222.3, residues 69-89): LLYHEPPEDD[Lys79=]ASQRQFEMEE